The following is an entry in ClinVar:

ClinVar aggregate classification (germline): Uncertain significance. Review status: criteria provided, multiple submitters, no conflicts (2 of 4 stars). 2 submissions from 2 submitters: Uncertain significance (2). Last evaluated 2025-04-17.

Allele frequency attached by ClinVar (database versions not stated): gnomAD 0.00001; gnomAD exomes below 0.00001; TOPMed 0.00001.
gnomAD v4.1: 3 of 1,608,600 alleles (0.00019%); highest among the groups gnomAD compares: Admixed American, 0.0017%; no homozygotes.

Submissions (2):

Labcorp Genetics (formerly Invitae), Labcorp
Classification: Uncertain significance. Last evaluated: 2025-04-17. Review status: criteria provided, single submitter. Criteria: Invitae Variant Classification Sherloc (09022015). Collection method: clinical testing. Allele origin: germline.
Comment: This sequence change replaces glycine, which is neutral and non-polar, with serine, which is neutral and polar, at codon 2249 of the FBN3 protein (p.Gly2249Ser). The frequency data for this variant in the population databases is considered unreliable, as metrics indicate poor data quality at this position in the gnomAD database. This variant has not been reported in the literature in individuals affected with FBN3-related conditions. ClinVar contains an entry for this variant (Variation ID: 2210417). Invitae Evidence Modeling of protein sequence and biophysical properties (such as structural, functional, and spatial information, amino acid conservation, physicochemical variation, residue mobility, and thermodynamic stability) indicates that this missense variant is not expected to disrupt FBN3 protein function with a negative predictive value of 80%. In summary, the available evidence is currently insufficient to determine the role of this variant in disease. Therefore, it has been classified as a Variant of Uncertain Significance.

Ambry Genetics
Classification: Uncertain significance. Last evaluated: 2022-10-27. Review status: criteria provided, single submitter. Criteria: Ambry Variant Classification Scheme 2023. Collection method: clinical testing. Allele origin: germline.

NM_032447.5(FBN3):c.6745G>A (p.Gly2249Ser)

Gene: FBN3 (fibrillin 3; minus strand). Cytogenetic location: 19p13.2.
Variant type: single nucleotide variant.
Coding change: c.6745G>A on transcript NM_032447.5 (MANE Select); coding-DNA position 6745, G replaced by A.
Protein change: p.Gly2249Ser; replaces glycine 2249 with serine.
Molecular consequence: missense variant.
Genome position (GRCh38, 1-based): chr19:8,087,086, C>T on the plus strand (G>A on the coding strand, the complement: FBN3 is on the minus strand). VCF-style: chr19-8087086-C-T. GRCh37 (hg19) VCF-style: chr19-8151970-C-T.
Other names: c.6745G>A, p.Gly2249Ser (NM_001321431.2); short protein forms G2249S.
Identifiers: ClinVar variation 2210417 (VCV002210417.5), dbSNP rs1290426720, ClinGen allele CA403711730.